The following is an entry in ClinVar:

NM_006648.4(WNK2):c.6329A>G (p.Gln2110Arg)

Gene: WNK2 (WNK lysine deficient protein kinase 2; plus strand). Cytogenetic location: 9q22.31.
Variant type: single nucleotide variant.
Coding change: c.6329A>G on transcript NM_006648.4 (MANE Select); coding-DNA position 6329, A replaced by G.
Protein change: p.Gln2110Arg; replaces glutamine 2110 with arginine.
Molecular consequence: missense variant.
Genome position (GRCh38, 1-based): chr9:93,308,397, A>G. VCF-style: chr9-93308397-A-G. GRCh37 (hg19) VCF-style: chr9-96070679-A-G.
Other names: c.6440A>G, p.Gln2147Arg (NM_001282394.3); short protein forms Q2110R, Q2147R.
Identifiers: ClinVar variation 4842126 (VCV004842126.1).

ClinVar aggregate classification (germline): Uncertain significance (1 of 4 stars; one submission).

Submission:

Ambry Genetics
Classification: Uncertain significance. Last evaluated: 2026-01-06. Review status: criteria provided, single submitter. Criteria: Ambry Variant Classification Scheme 2023. Collection method: clinical testing. Allele origin: germline.
Comment: The p.Q2110R variant (also known as c.6329A>G), located in coding exon 27 of the WNK2 gene, results from an A to G substitution at nucleotide position 6329. The glutamine at codon 2110 is replaced by arginine, an amino acid with highly similar properties. This amino acid position is conserved. In addition, the in silico prediction for this alteration is inconclusive. Based on the available evidence, the clinical significance of this variant remains unclear.